The following is an entry in ClinVar:

NM_018972.4(GDAP1):c.-2A>G

Genes: GDAP1 (ganglioside induced differentiation associated protein 1; plus strand), LOC130000622 (ATAC-STARR-seq lymphoblastoid active region 27542; plus strand). Cytogenetic location: 8q21.11.
Variant type: single nucleotide variant.
Coding change: c.-2A>G on transcript NM_018972.4 (MANE Select); 2 bases upstream of the start codon, A replaced by G.
Molecular consequence: 5 prime UTR variant.
Genome position (GRCh38, 1-based): chr8:74,350,460, A>G. VCF-style: chr8-74350460-A-G. GRCh37 (hg19) VCF-style: chr8-75262695-A-G.
Other names: c.-76A>G (NM_001040875.4); c.-184A>G (NM_001362929.2); c.-2A>G (NM_001362930.2, NM_001362931.2); c.-136A>G (NM_001362932.2).
Identifiers: ClinVar variation 4979146 (VCV004979146.1).

ClinVar aggregate classification (germline): Uncertain significance (1 of 4 stars; one submission).

Conditions:
GDAP1-related disorder. Also called: GDAP1-related condition; GDAP1-related disorders.

gnomAD v4.1: 53 of 1,597,516 alleles (0.0033%); highest among the groups gnomAD compares: Admixed American, 0.005%; no homozygotes.

Submission:

PreventionGenetics, part of Exact Sciences
Classification: Uncertain significance for GDAP1-related condition. Last evaluated: 2026-02-18. Review status: criteria provided, single submitter. Criteria: ACMG Guidelines, 2015. Collection method: clinical testing. Allele origin: germline.
Comment: The GDAP1 c.-2A>G variant is located in the 5' untranslated region. This variant is predicted to possibly activate a cryptic acceptor site within the UTR and may impact splicing based on available splicing prediction programs (Alamut Visual v1.6.1). However, the use of computer prediction programs is not equivalent to functional evidence. To our knowledge, this variant has not been reported in the literature. This variant is reported in 0.0086% of alleles in individuals of European (non-Finnish) descent in gnomAD. At this time, the clinical significance of this variant is uncertain due to the absence of conclusive functional and genetic evidence.